The following is an entry in ClinVar:

ClinVar aggregate classification (germline): Uncertain significance (1 of 4 stars; one submission).

Conditions:
Ataxia-telangiectasia syndrome (AT). Also called: LOUIS-BAR SYNDROME; Cerebello-oculocutaneous telangiectasia; Immunodeficiency with ataxia telangiectasia; Ataxia-telangiectasia, complementation group D; AT, COMPLEMENTATION GROUP C; Ataxia-telangiectasia, complementation group E. Identifiers: Orphanet 100, MedGen C0004135, MONDO:0008840, OMIM 208900.

Submission:

Labcorp Genetics (formerly Invitae), Labcorp
Classification: Uncertain significance for Ataxia-telangiectasia syndrome. Last evaluated: 2022-03-12. Review status: criteria provided, single submitter. Criteria: Invitae Variant Classification Sherloc (09022015). Collection method: clinical testing. Allele origin: germline.
Comment: ClinVar contains an entry for this variant (Variation ID: 407458). This variant has not been reported in the literature in individuals affected with ATM-related conditions. This variant is not present in population databases (gnomAD no frequency). This sequence change replaces valine, which is neutral and non-polar, with alanine, which is neutral and non-polar, at codon 2155 of the ATM protein (p.Val2155Ala). Advanced modeling of protein sequence and biophysical properties (such as structural, functional, and spatial information, amino acid conservation, physicochemical variation, residue mobility, and thermodynamic stability) performed at Invitae indicates that this missense variant is not expected to disrupt ATM protein function. In summary, the available evidence is currently insufficient to determine the role of this variant in disease. Therefore, it has been classified as a Variant of Uncertain Significance.

NM_000051.4(ATM):c.6464T>C (p.Val2155Ala)

Genes: ATM (ATM serine/threonine kinase; plus strand), C11orf65 (chromosome 11 open reading frame 65; minus strand). Cytogenetic location: 11q22.3.
Variant type: single nucleotide variant.
Coding change: c.6464T>C on transcript NM_000051.4 (MANE Select); coding-DNA position 6464, T replaced by C.
Protein change: p.Val2155Ala; replaces valine 2155 with alanine.
Molecular consequence: missense variant. On other transcripts: intron variant (2).
Genome position (GRCh38, 1-based): chr11:108,321,312, T>C. VCF-style: chr11-108321312-T-C. GRCh37 (hg19) VCF-style: chr11-108192039-T-C.
Other names: c.6464T>C, p.Val2155Ala (NM_001351834.2); c.641-12241A>G (NM_001330368.2); c.*39-12241A>G (NM_001351110.2); short protein forms V2155A.
Identifiers: ClinVar variation 407458 (VCV000407458.11), dbSNP rs1060501532, ClinGen allele CA16613186.